The following is an entry in ClinVar:

ClinVar aggregate classification (germline): Uncertain significance (1 of 4 stars; one submission).

Conditions:
Long QT syndrome (LQTS). Identifiers: MedGen C0023976, MeSH D008133, MONDO:0002442. Disease mechanism: loss of function. Inheritance: Various modes of inheritance.

Submission:

Labcorp Genetics (formerly Invitae), Labcorp
Classification: Uncertain significance for Long QT syndrome. Last evaluated: 2024-08-15. Review status: criteria provided, single submitter. Criteria: Invitae Variant Classification Sherloc (09022015). Collection method: clinical testing. Allele origin: germline.
Comment: This sequence change replaces valine, which is neutral and non-polar, with alanine, which is neutral and non-polar, at codon 1791 of the CACNA1C protein (p.Val1791Ala). This variant is not present in population databases (gnomAD no frequency). This variant has not been reported in the literature in individuals affected with CACNA1C-related conditions. Invitae Evidence Modeling of protein sequence and biophysical properties (such as structural, functional, and spatial information, amino acid conservation, physicochemical variation, residue mobility, and thermodynamic stability) indicates that this missense variant is not expected to disrupt CACNA1C protein function with a negative predictive value of 95%. In summary, the available evidence is currently insufficient to determine the role of this variant in disease. Therefore, it has been classified as a Variant of Uncertain Significance.

NM_000719.7(CACNA1C):c.5372T>C (p.Val1791Ala)

Genes: CACNA1C (calcium voltage-gated channel subunit alpha1 C; plus strand), CACNA1C-AS1 (CACNA1C antisense RNA 1; minus strand). Cytogenetic location: 12p13.33.
Variant type: single nucleotide variant.
Coding change: c.5372T>C on transcript NM_000719.7 (MANE Select); coding-DNA position 5372, T replaced by C.
Protein change: p.Val1791Ala; replaces valine 1791 with alanine.
Molecular consequence: missense variant.
Genome position (GRCh38, 1-based): chr12:2,679,724, T>C. VCF-style: chr12-2679724-T-C. GRCh37 (hg19) VCF-style: chr12-2788890-T-C.
Other names: c.5516T>C, p.Val1839Ala (NM_001129827.2, NM_199460.4); c.5495T>C, p.Val1832Ala (NM_001129829.2); c.5372T>C, p.Val1791Ala (NM_001129830.3, NM_001129840.2, NM_001129841.2 and 4 more transcripts); c.5456T>C, p.Val1819Ala (NM_001129831.2); c.5363T>C, p.Val1788Ala (NM_001129844.2); c.5339T>C, p.Val1780Ala (NM_001129846.2, NM_001167625.2); c.5432T>C, p.Val1811Ala (NM_001129832.2); c.5429T>C, p.Val1810Ala (NM_001129833.2, NM_001129834.2, NM_001129835.2); and 3 more; short protein forms V1780A, V1788A, V1791A, V1797A, V1799A, V1808A, V1810A, V1811A.
Identifiers: ClinVar variation 3610099 (VCV003610099.2).